The following is an entry in ClinVar:

ClinVar aggregate classification (germline): Likely benign. Review status: criteria provided, multiple submitters, no conflicts (2 of 4 stars). 4 submissions from 4 submitters: Likely benign (3). 1 of the submissions does not count toward it. Last evaluated 2025-02-16.

Conditions:
MECOM-related disorder. Also called: MECOM-related condition.

Allele frequency attached by ClinVar (database versions not stated): ESP Exome Variant Server 0.00058.
gnomAD v4.1: 840 of 1,611,232 alleles (0.052%); highest among the groups gnomAD compares: Non-Finnish European, 0.05%; 2 homozygotes.

Submissions (4):

Laboratory of Genetics, Children's Clinical University Hospital Latvia
Classification: Likely benign. Last evaluated: 2025-02-16. Review status: criteria provided, single submitter. Criteria: ACMG Guidelines, 2015. Collection method: clinical testing. Allele origin: germline. Affected: yes.

Mayo Clinic Laboratories, Mayo Clinic
Classification: Likely benign. Last evaluated: 2025-01-15. Review status: criteria provided, single submitter. Criteria: ACMG Guidelines, 2015. Collection method: clinical testing. Allele origin: germline. Observed: 1 variant allele.
Comment: BS1, BP4, PM1_supporting

Blueprint Genetics
Classification: Likely benign. Last evaluated: 2024-11-07. Review status: criteria provided, single submitter. Criteria: ACMG Guidelines, 2015. Collection method: clinical testing. Allele origin: germline.

PreventionGenetics, part of Exact Sciences
Classification: Likely benign for MECOM-related condition. Last evaluated: 2020-06-30. Review status: no assertion criteria provided. Collection method: clinical testing. Allele origin: germline. Not counted in ClinVar's aggregate classification.
Comment: This variant is classified as likely benign based on ACMG/AMP sequence variant interpretation guidelines (Richards et al. 2015 PMID: 25741868, with internal and published modifications).

NM_004991.4(MECOM):c.459C>A (p.Phe153Leu)

Gene: MECOM (MDS1 and EVI1 complex locus; minus strand). Cytogenetic location: 3q26.2.
Variant type: single nucleotide variant.
Coding change: c.459C>A on transcript NM_004991.4 (MANE Select); coding-DNA position 459, C replaced by A.
Protein change: p.Phe153Leu; replaces phenylalanine 153 with leucine.
Molecular consequence: missense variant. On other transcripts: 5 prime UTR variant (12).
Genome position (GRCh38, 1-based): chr3:169,143,749, G>T on the plus strand (C>A on the coding strand, the complement: MECOM is on the minus strand). VCF-style: chr3-169143749-G-T. GRCh37 (hg19) VCF-style: chr3-168861537-G-T.
Other names: p.Phe153Leu; c.87C>A, p.Phe29Leu (NM_001105077.4); c.-106C>A (NM_001105078.4, NM_001163999.2, NM_001164000.2 and 9 more transcripts); c.459C>A, p.Phe153Leu (NM_001366466.2, NM_001366473.2); short protein forms F153L, F29L.
Identifiers: ClinVar variation 3049181 (VCV003049181.5), dbSNP rs199656825, ClinGen allele CA2696560.